The following is an entry in ClinVar:

ClinVar aggregate classification (germline): Uncertain significance (1 of 4 stars; one submission).

Allele frequency attached by ClinVar (database versions not stated): gnomAD 0.00001.
gnomAD v4.1: 1 of 1,613,838 alleles (0.000062%); no homozygotes.

Submission:

Labcorp Genetics (formerly Invitae), Labcorp
Classification: Uncertain significance. Last evaluated: 2022-05-12. Review status: criteria provided, single submitter. Criteria: Invitae Variant Classification Sherloc (09022015). Collection method: clinical testing. Allele origin: germline.
Comment: In summary, the available evidence is currently insufficient to determine the role of this variant in disease. Therefore, it has been classified as a Variant of Uncertain Significance. Algorithms developed to predict the effect of missense changes on protein structure and function are either unavailable or do not agree on the potential impact of this missense change (SIFT: "Deleterious"; PolyPhen-2: "Probably Damaging"; Align-GVGD: "Class C0"). This variant has not been reported in the literature in individuals affected with ATP1A1-related conditions. This variant is not present in population databases (gnomAD no frequency). This sequence change replaces leucine, which is neutral and non-polar, with phenylalanine, which is neutral and non-polar, at codon 983 of the ATP1A1 protein (p.Leu983Phe).

NM_000701.8(ATP1A1):c.2947C>T (p.Leu983Phe)

Genes: ATP1A1 (ATPase Na+/K+ transporting subunit alpha 1; plus strand), ATP1A1-AS1 (ATP1A1 antisense RNA 1; minus strand). Cytogenetic location: 1p13.1.
Variant type: single nucleotide variant.
Coding change: c.2947C>T on transcript NM_000701.8 (MANE Select); coding-DNA position 2947, C replaced by T.
Protein change: p.Leu983Phe; replaces leucine 983 with phenylalanine.
Molecular consequence: missense variant.
Genome position (GRCh38, 1-based): chr1:116,401,651, C>T. VCF-style: chr1-116401651-C-T. GRCh37 (hg19) VCF-style: chr1-116944273-C-T.
Other names: c.2947C>T, p.Leu983Phe (NM_001160233.2); c.2854C>T, p.Leu952Phe (NM_001160234.2); short protein forms L952F, L983F.
Identifiers: ClinVar variation 1993784 (VCV001993784.4), dbSNP rs1653488579, ClinGen allele CA341776266.